The following continues an entry in ClinVar:

NM_001032382.2(PQBP1):c.459_462del (p.Arg153fs)

Gene: PQBP1. ClinVar aggregate classification (germline): Pathogenic/Likely pathogenic. Pathogenic (25); Likely pathogenic (1).

Submissions 14 to 30 of 30:

3billion
Classification: Pathogenic for Renpenning syndrome. Last evaluated: 2022-01-03. Review status: criteria provided, single submitter. Criteria: ACMG Guidelines, 2015. Collection method: clinical testing. Allele origin: germline. Affected: yes. Observed: 1 hemizygote.
Comment: The variant has been reported at least twice as pathogenic/likely pathogenic with clinical assertions and evidence for the classification (ClinVar ID: VCV000010980, PMID:14634649). Frameshift: predicted to result in a loss or disruption of normal protein function through nonsense-mediated decay (NMD) or protein truncation. Multiple pathogenic variants are reported downstream of the variant (PVS1_VS). It is not observed in the gnomAD v2.1.1 dataset (PM2_M). Therefore, this variant is classified as pathogenic according to the recommendation of ACMG/AMP guideline.

Genetics Laboratory, UDIAT-Centre Diagnòstic, Hospital Universitari Parc Tauli
Classification: Pathogenic. Last evaluated: 2021-04-26. Review status: criteria provided, single submitter. Criteria: Parc Tauli Hospital Assertion Criteria 2021. Collection method: clinical testing. Allele origin: maternal. Inheritance: Autosomal dominant inheritance. Affected: yes. Observed: 1 hemizygote.
Comment: PVS1_very strong;PP5_strong;PM2_supporting

Institute of Medical Genetics and Applied Genomics, University Hospital Tübingen
Classification: Pathogenic. Last evaluated: 2020-10-23. Review status: criteria provided, single submitter. Criteria: ACMG Guidelines, 2015. Collection method: clinical testing. Allele origin: germline. Inheritance: X-linked recessive inheritance. Affected: yes.

Raymond Lab, University of Cambridge
Classification: Likely pathogenic for Intellectual disability. Last evaluated: 2019-02-13. Review status: criteria provided, single submitter. Criteria: ACMG Guidelines, 2015. Collection method: research. Allele origin: unknown. Affected: yes. Observed: 2 variant alleles.

CeGaT Center for Human Genetics Tuebingen
Classification: Pathogenic. Last evaluated: 2018-04-01. Review status: criteria provided, single submitter. Criteria: CeGaT Center For Human Genetics Tuebingen Variant Classification Criteria Version 2. Collection method: clinical testing. Allele origin: germline. Affected: yes. Observed: 4 variant alleles.

Cytogénomique, Hospices Civils de Lyon
Classification: Pathogenic for Renpenning syndrome. Last evaluated: 2017-07-11. Review status: criteria provided, single submitter. Criteria: ACMG Guidelines, 2015. Collection method: clinical testing. Allele origin: de novo. Inheritance: X-linked inheritance. Affected: yes.

Molecular Genetics Laboratory, BC Children's and BC Women's Hospitals
Classification: Pathogenic for Renpenning syndrome. Last evaluated: 2016-06-14. Review status: criteria provided, single submitter. Criteria: ACMG Guidelines, 2015. Collection method: clinical testing. Allele origin: de novo. Affected: yes.

Ambry Genetics
Classification: Pathogenic for Inborn genetic diseases. Last evaluated: 2014-06-06. Review status: criteria provided, single submitter. Criteria: Ambry exome assertion method (8-5-2015). Collection method: clinical testing. Allele origin: germline. Affected: yes. Observed: 2 variant alleles.

Clinical Genetics Service, Universitary Hospital 12 de Octubre
Classification: Pathogenic for Renpenning syndrome. Review status: criteria provided, single submitter. Criteria: ACMG Guidelines, 2015. Collection method: clinical testing. Allele origin: germline. Affected: yes.

Department of Medical Genetics, Sanjay Gandhi Post Graduate Institute of Medical Sciences
Classification: Pathogenic for Renpenning syndrome. Review status: criteria provided, single submitter. Criteria: ACMG Guidelines, 2015. Collection method: research. Allele origin: maternal. Inheritance: X-linked recessive inheritance. Affected: yes. Observed: 1 hemizygote.

Greenwood Genetic Center Diagnostic Laboratories, Greenwood Genetic Center
Classification: Pathogenic for Renpenning syndrome. Review status: criteria provided, single submitter. Criteria: ACMG Guidelines, 2015. Collection method: research. Allele origin: germline. Affected: yes.

Juno Genomics, Hangzhou Juno Genomics, Inc
Classification: Pathogenic for Renpenning syndrome. Review status: criteria provided, single submitter. Criteria: ACMG Guidelines, 2015. Collection method: clinical testing. Allele origin: germline. Affected: yes.
Comment: Absent from controls (or at extremely low frequency if recessive) in Genome Aggregation Database, Exome Sequencing Project, 1000 Genomes Project, or Exome Aggregation Consortium.;Null variant in a gene where loss of function (LOF) is a known mechanism of disease.;The prevalence of the variant in affected individuals is significantly increased compared to the prevalence in controls.;Assumed de novo, but without confirmation of paternity and maternity.

Lifecell International Pvt. Ltd
Classification: Pathogenic for Renpenning syndrome. Review status: criteria provided, single submitter. Criteria: ACMG Guidelines, 2015. Collection method: clinical testing. Allele origin: germline. Inheritance: X-linked recessive inheritance. Affected: yes. Observed: 1 hemizygote.
Comment: A Hemizygote Frameshift variant c.451_454delAGAG in Exon 4 of the PQBP1 gene that results in the amino acid substitution p.Arg153fs*41 was identified. The observed variant has a minor allele frequency of 0% in gnomAD exomes and genomes, respectively. The severity of the impact of this variant on the protein is high, based on the effect of the protein and REVEL score. Rare Exome Variant Ensemble Learner (REVEL) is an ensembl method for predicting the pathogenicity of missense variants based on a combination of scores from 13 individual tools: MutPred, FATHMM v2.3, VEST 3.0, PolyPhen-2, SIFT, PROVEAN, MutationAssessor, MutationTaster, LRT, GERP++, SiPhy, phyloP, and phastCons. The REVEL score for an individual missense variant can range from 0 to 1, with higher scores reflecting greater likelihood that the variant is disease-causing. ClinVar has also classified this variant as Pathogenic/Likely Pathogenic (Variant ID:10980). Based on the above evidence this variant has been classified as Pathogenic according to the ACMG guidelines.

Zotz-Klimas Genetics Lab, MVZ Zotz Klimas
Classification: Pathogenic for Renpenning syndrome. Last evaluated: 2023-11-24. Review status: no assertion criteria provided. Collection method: clinical testing. Allele origin: germline. Affected: yes. Not counted in ClinVar's aggregate classification.

Laboratory of Medical Genetics, University of Torino
Classification: Pathogenic for Renpenning syndrome. Last evaluated: 2022-10-09. Review status: no assertion criteria provided. Collection method: research. Allele origin: maternal. Affected: yes. Not counted in ClinVar's aggregate classification.

Centre for Mendelian Genomics, University Medical Centre Ljubljana
Classification: Pathogenic for Microcephaly; Delayed speech and language development; Hyperactivity. Last evaluated: 2016-05-16. Review status: no assertion criteria provided. Collection method: clinical testing. Allele origin: unknown. Affected: yes. Not counted in ClinVar's aggregate classification.

OMIM
Classification: Pathogenic for RENPENNING SYNDROME. Last evaluated: 2005-05-01. Review status: no assertion criteria provided. Collection method: literature only. Allele origin: germline. Not counted in ClinVar's aggregate classification.

Literature cited by the submitters: PubMed 20950397 (cited by 4 submitters); PubMed 30500859 (cited by Labcorp Genetics (formerly Invitae), Labcorp and Variantyx, Inc.); PubMed 31316545 (cited by Labcorp Genetics (formerly Invitae), Labcorp and Variantyx, Inc.); PubMed 17033686 (cited by Variantyx, Inc. and Dasa); PubMed 21315190 (cited by Variantyx, Inc. and Dasa); PubMed 14634649 (cited by 4 submitters); PubMed 31840929 (cited by Victorian Clinical Genetics Services, Murdoch Childrens Research Institute); PubMed 20886605 (cited by Ambry Genetics); PubMed 9599645 (cited by OMIM); PubMed 11950858 (cited by OMIM); PubMed 15811016 (cited by OMIM); PubMed 15782410 (cited by OMIM).